The following is an entry in ClinVar:

ClinVar aggregate classification (germline): Benign (0 of 4 stars; one submission).

Conditions:
EPPK1-related disorder. Also called: EPPK1-related condition.

Allele frequency attached by ClinVar (database versions not stated): 1000 Genomes Project 30x 0.29232; 1000 Genomes Project 0.29393; TOPMed 0.34820; ESP Exome Variant Server 0.35429; gnomAD 0.35944; ExAC 0.43107; gnomAD exomes 0.46107.
gnomAD v4.1: 724,072 of 1,605,686 alleles (45%); highest among the groups gnomAD compares: Middle Eastern, 57%; 170,997 homozygotes.

Submission:

PreventionGenetics, part of Exact Sciences
Classification: Benign for EPPK1-related condition. Last evaluated: 2021-04-12. Review status: no assertion criteria provided. Collection method: clinical testing. Allele origin: germline.
Comment: This variant is classified as benign based on ACMG/AMP sequence variant interpretation guidelines (Richards et al. 2015 PMID: 25741868, with internal and published modifications).

NM_031308.4(EPPK1):c.3261G>A (p.Pro1087=)

Gene: EPPK1 (epiplakin 1; minus strand). Cytogenetic location: 8q24.3.
Variant type: single nucleotide variant.
Coding change: c.3261G>A on transcript NM_031308.4 (MANE Select); coding-DNA position 3261, G replaced by A.
Protein change: p.Pro1087=; no amino-acid change (proline 1087 retained).
Molecular consequence: synonymous variant.
Genome position (GRCh38, 1-based): chr8:143,869,993, C>T on the plus strand (G>A on the coding strand, the complement: EPPK1 is on the minus strand). VCF-style: chr8-143869993-C-T. GRCh37 (hg19) VCF-style: chr8-144944161-C-T.
Identifiers: ClinVar variation 3035506 (VCV003035506.2), dbSNP rs35221054, ClinGen allele CA4922823.